The following is an entry in ClinVar:

NM_001330360.2(POLA1):c.349A>G (p.Lys117Glu)

Gene: POLA1 (DNA polymerase alpha 1, catalytic subunit; plus strand). Cytogenetic location: Xp22.11.
Variant type: single nucleotide variant.
Coding change: c.349A>G on transcript NM_001330360.2 (MANE Select); coding-DNA position 349, A replaced by G.
Protein change: p.Lys117Glu; replaces lysine 117 with glutamic acid.
Molecular consequence: missense variant. On other transcripts: non-coding transcript variant (2).
Genome position (GRCh38, 1-based): chrX:24,714,556, A>G. VCF-style: chrX-24714556-A-G. GRCh37 (hg19) VCF-style: chrX-24732673-A-G.
Other names: c.349A>G, p.Lys117Glu (NM_001378303.1); c.331A>G, p.Lys111Glu (NM_016937.4); short protein forms K111E, K117E.
Identifiers: ClinVar variation 3368756 (VCV003368756.1).

ClinVar aggregate classification (germline): Uncertain significance (1 of 4 stars; one submission).

gnomAD v4.1: 1 of 1,149,192 alleles (0.000087%); highest among the groups gnomAD compares: Non-Finnish European, 0.00012%; no homozygotes.

Submission:

GeneDx
Classification: Uncertain significance. Last evaluated: 2024-02-06. Review status: criteria provided, single submitter. Criteria: GeneDx Variant Classification Process June 2021. Collection method: clinical testing. Allele origin: germline. Affected: yes.
Comment: Not observed at significant frequency in large population cohorts (gnomAD); In silico analysis supports that this missense variant does not alter protein structure/function; Has not been previously published as pathogenic or benign to our knowledge